The following is an entry in ClinVar:

ClinVar aggregate classification (germline): Likely benign. Review status: criteria provided, multiple submitters, no conflicts (2 of 4 stars). 4 submissions from 4 submitters: Likely benign (3). 1 of the submissions does not count toward it. Last evaluated 2025-08-20.

Conditions:
PDE6B-related disorder. Also called: PDE6B-related disorders; PDE6B-related disease; PDE6B-related condition.

Allele frequency attached by ClinVar (database versions not stated): gnomAD exomes 0.00005 and 0.00013; gnomAD 0.00007; ExAC 0.00008; TOPMed 0.00010.

Submissions (4):

Labcorp Genetics (formerly Invitae), Labcorp
Classification: Likely benign. Last evaluated: 2025-08-20. Review status: criteria provided, single submitter. Criteria: Invitae Variant Classification Sherloc (09022015). Collection method: clinical testing. Allele origin: germline.

CeGaT Center for Human Genetics Tuebingen
Classification: Likely benign. Last evaluated: 2024-12-01. Review status: criteria provided, single submitter. Criteria: CeGaT Center For Human Genetics Tuebingen Variant Classification Criteria Version 2. Collection method: clinical testing. Allele origin: germline. Affected: yes. Observed: 1 variant allele.
Comment: PDE6B: BP4, BP7

Blueprint Genetics
Classification: Likely benign. Last evaluated: 2023-05-08. Review status: criteria provided, single submitter. Criteria: ACMG Guidelines, 2015. Collection method: clinical testing. Allele origin: germline.

PreventionGenetics, part of Exact Sciences
Classification: Likely benign for PDE6B-related condition. Last evaluated: 2019-02-18. Review status: no assertion criteria provided. Collection method: clinical testing. Allele origin: germline. Not counted in ClinVar's aggregate classification.
Comment: This variant is classified as likely benign based on ACMG/AMP sequence variant interpretation guidelines (Richards et al. 2015 PMID: 25741868, with internal and published modifications).

NM_000283.4(PDE6B):c.459C>T (p.Asp153=)

Gene: PDE6B (phosphodiesterase 6B; plus strand). Cytogenetic location: 4p16.3.
Variant type: single nucleotide variant.
Coding change: c.459C>T on transcript NM_000283.4 (MANE Select); coding-DNA position 459, C replaced by T.
Protein change: p.Asp153=; no amino-acid change (aspartic acid 153 retained).
Molecular consequence: synonymous variant.
Genome position (GRCh38, 1-based): chr4:626,085, C>T. VCF-style: chr4-626085-C-T. GRCh37 (hg19) VCF-style: chr4-619874-C-T.
Other names: c.459C>T, p.Asp153= (NM_001145291.2); c.459C>T (NM_000283.3).
Identifiers: ClinVar variation 1135460 (VCV001135460.25), dbSNP rs753452282, ClinGen allele CA2793948.